The following is an entry in ClinVar:

ClinVar aggregate classification (germline): Uncertain significance (1 of 4 stars; one submission).

Conditions:
Inborn genetic diseases. Identifiers: MedGen C0950123, MeSH D030342.

Submission:

Ambry Genetics
Classification: Uncertain significance for Inborn genetic diseases. Last evaluated: 2025-08-20. Review status: criteria provided, single submitter. Criteria: Ambry Variant Classification Scheme 2023. Collection method: clinical testing. Allele origin: germline.
Comment: The p.G89V variant (also known as c.266G>T), located in coding exon 2 of the MBD4 gene, results from a G to T substitution at nucleotide position 266. The glycine at codon 89 is replaced by valine, an amino acid with dissimilar properties. This amino acid position is conserved. In addition, this alteration is predicted to be deleterious by in silico analysis. Based on the available evidence, the clinical significance of this variant remains unclear.

NM_001276270.2(MBD4):c.266G>T (p.Gly89Val)

Gene: MBD4 (methyl-CpG binding domain 4, DNA glycosylase; minus strand). Cytogenetic location: 3q21.3.
Variant type: single nucleotide variant.
Coding change: c.266G>T on transcript NM_001276270.2 (MANE Select); coding-DNA position 266, G replaced by T.
Protein change: p.Gly89Val; replaces glycine 89 with valine.
Molecular consequence: missense variant. On other transcripts: intron variant (1).
Genome position (GRCh38, 1-based): chr3:129,437,789, C>A on the plus strand (G>T on the coding strand, the complement: MBD4 is on the minus strand). VCF-style: chr3-129437789-C-A. GRCh37 (hg19) VCF-style: chr3-129156632-C-A.
Other names: c.266G>T, p.Gly89Val (NM_001276271.2, NM_001276272.2, NM_003925.3); c.247+19G>T (NM_001276273.2); short protein forms G89V.
Identifiers: ClinVar variation 4104651 (VCV004104651.1).